The following is an entry in ClinVar:

ClinVar aggregate classification (germline): Uncertain significance (1 of 4 stars; one submission).

Conditions:
Diffuse cerebral and cerebellar atrophy - intractable seizures - progressive microcephaly syndrome. Also called: Microcephaly, progressive, with seizures and cerebral and cerebellar atrophy. Identifiers: Orphanet 404437, MedGen C4014239, MONDO:0014335, OMIM 615760.

Allele frequency attached by ClinVar (database versions not stated): gnomAD exomes below 0.00001.

Submission:

Labcorp Genetics (formerly Invitae), Labcorp
Classification: Uncertain significance for Diffuse cerebral and cerebellar atrophy - intractable seizures - progressive microcephaly syndrome. Last evaluated: 2022-06-14. Review status: criteria provided, single submitter. Criteria: Invitae Variant Classification Sherloc (09022015). Collection method: clinical testing. Allele origin: germline.
Comment: This variant has not been reported in the literature in individuals affected with QARS-related conditions. In summary, the available evidence is currently insufficient to determine the role of this variant in disease. Therefore, it has been classified as a Variant of Uncertain Significance. Algorithms developed to predict the effect of missense changes on protein structure and function (SIFT, PolyPhen-2, Align-GVGD) all suggest that this variant is likely to be tolerated. ClinVar contains an entry for this variant (Variation ID: 942891). This variant is not present in population databases (gnomAD no frequency). This sequence change replaces tyrosine, which is neutral and polar, with cysteine, which is neutral and slightly polar, at codon 75 of the QARS protein (p.Tyr75Cys).

NM_005051.3(QARS1):c.224A>G (p.Tyr75Cys)

Gene: QARS1 (glutaminyl-tRNA synthetase 1; minus strand). Cytogenetic location: 3p21.31.
Variant type: single nucleotide variant.
Coding change: c.224A>G on transcript NM_005051.3 (MANE Select); coding-DNA position 224, A replaced by G.
Protein change: p.Tyr75Cys; replaces tyrosine 75 with cysteine.
Molecular consequence: missense variant.
Genome position (GRCh38, 1-based): chr3:49,104,365, T>C on the plus strand (A>G on the coding strand, the complement: QARS1 is on the minus strand). VCF-style: chr3-49104365-T-C. GRCh37 (hg19) VCF-style: chr3-49141798-T-C.
Other names: c.224A>G, p.Tyr75Cys (NM_001272073.2); short protein forms Y75C.
Identifiers: ClinVar variation 942891 (VCV000942891.6), dbSNP rs2042510780, ClinGen allele CA352722574.